The following is an entry in ClinVar:

ClinVar aggregate classification (germline): Likely benign (0 of 4 stars; one submission).

Conditions:
CSDE1-related disorder. Also called: CSDE1-related condition.

Allele frequency attached by ClinVar (database versions not stated): gnomAD exomes below 0.00001; gnomAD 0.00002; TOPMed 0.00003.
gnomAD v4.1: 7 of 1,604,096 alleles (0.00044%); highest among the groups gnomAD compares: African/African-American, 0.0094%; no homozygotes.

Submission:

PreventionGenetics, part of Exact Sciences
Classification: Likely benign for CSDE1-related condition. Last evaluated: 2019-08-08. Review status: no assertion criteria provided. Collection method: clinical testing. Allele origin: germline.
Comment: This variant is classified as likely benign based on ACMG/AMP sequence variant interpretation guidelines (Richards et al. 2015 PMID: 25741868, with internal and published modifications).

NM_001007553.3(CSDE1):c.2052+8C>T

Gene: CSDE1 (cold shock domain containing E1; minus strand). Cytogenetic location: 1p13.2.
Variant type: single nucleotide variant.
Coding change: c.2052+8C>T on transcript NM_001007553.3 (MANE Select); 8 bases into the intron after coding-DNA position 2052, C replaced by T.
Molecular consequence: intron variant.
Genome position (GRCh38, 1-based): chr1:114,720,531, G>A on the plus strand (C>T on the coding strand, the complement: CSDE1 is on the minus strand). VCF-style: chr1-114720531-G-A. GRCh37 (hg19) VCF-style: chr1-115263152-G-A.
Other names: c.1959+8C>T (NM_001242893.2, NM_007158.6); c.2052+8C>T (NM_001242892.2); c.2097+8C>T (NM_001130523.3); c.2190+8C>T (NM_001242891.2).
Identifiers: ClinVar variation 3035040 (VCV003035040.2), dbSNP rs972785118, ClinGen allele CA29050088.